The following is an entry in ClinVar:

NM_001943.5(DSG2):c.299G>A (p.Gly100Asp)

Gene: DSG2 (desmoglein 2; plus strand). Cytogenetic location: 18q12.1.
Variant type: single nucleotide variant.
Coding change: c.299G>A on transcript NM_001943.5 (MANE Select); coding-DNA position 299, G replaced by A.
Protein change: p.Gly100Asp; replaces glycine 100 with aspartic acid.
Molecular consequence: missense variant.
Genome position (GRCh38, 1-based): chr18:31,520,885, G>A. VCF-style: chr18-31520885-G-A. GRCh37 (hg19) VCF-style: chr18-29100848-G-A.
Other names: short protein forms G100D.
Identifiers: ClinVar variation 1172177 (VCV001172177.2), dbSNP rs1236559318, ClinGen allele CA402131517.
Genomic context (GRCh38, chr18:31,520,885, plus strand): 5'-AAAGAGGACTCAAAATTACTTACAAATACACTGGAAAAGGGATTACAGAGCCACCTTTTG[G>A]TATATTTGTCTTTAACAAAGATACTGGAGAACTGAATGTTACCAGCATTCTTGATCGAGA-3'
Protein context (NP_001934.2, residues 90-110): TGKGITEPPF[Gly100Asp]IFVFNKDTGE

ClinVar aggregate classification (germline): Uncertain significance (1 of 4 stars; one submission).

Conditions:
Cardiomyopathy (CMYO). Also called: Cardiomyopathies. Identifiers: Orphanet 167848, MedGen C0878544, MONDO:0004994, HP:0001638. Inheritance: Various modes of inheritance.

Submission:

Color Diagnostics, LLC DBA Color Health
Classification: Uncertain significance for Cardiomyopathy. Last evaluated: 2021-01-19. Review status: criteria provided, single submitter. Criteria: ACMG Guidelines, 2015. Collection method: clinical testing. Allele origin: germline.
Comment: This missense variant replaces glycine with aspartic acid at codon 100 of the DSG2 protein. Computational prediction suggests that this variant may not impact protein structure and function (internally defined REVEL score threshold <= 0.5, PMID: 27666373). To our knowledge, functional studies have not been reported for this variant. This variant has not been reported in individuals affected with cardiovascular disorders in the literature. This variant has not been identified in the general population by the Genome Aggregation Database (gnomAD). The available evidence is insufficient to determine the role of this variant in disease conclusively. Therefore, this variant is classified as a Variant of Uncertain Significance.